The following is an entry in ClinVar:

NM_001458.5(FLNC):c.7356G>T (p.Glu2452Asp)

Genes: FLNC (filamin C; plus strand), FLNC-AS1 (FLNC antisense RNA 1; minus strand). Cytogenetic location: 7q32.1.
Variant type: single nucleotide variant.
Coding change: c.7356G>T on transcript NM_001458.5 (MANE Select); coding-DNA position 7356, G replaced by T.
Protein change: p.Glu2452Asp; replaces glutamic acid 2452 with aspartic acid.
Molecular consequence: missense variant.
Genome position (GRCh38, 1-based): chr7:128,856,622, G>T. VCF-style: chr7-128856622-G-T. GRCh37 (hg19) VCF-style: chr7-128496676-G-T.
Other names: c.7257G>T, p.Glu2419Asp (NM_001127487.2); short protein forms E2419D, E2452D.
Identifiers: ClinVar variation 3761231 (VCV003761231.2).

ClinVar aggregate classification (germline): Uncertain significance (1 of 4 stars; one submission).

Conditions:
Hypertrophic cardiomyopathy 26. Also called: Cardiomyopathy, familial hypertrophic, 26. Identifiers: Orphanet 75249, MedGen C4310749, MONDO:0014883, OMIM 617047.
Distal myopathy with posterior leg and anterior hand involvement. Also called: WILLIAMS DISTAL MYOPATHY. Identifiers: Orphanet 63273, MedGen C3279722, MONDO:0013550, OMIM 614065.
Myofibrillar myopathy 5. Also called: Filaminopathy (type); FILAMINOPATHY, AUTOSOMAL DOMINANT. Identifiers: Orphanet 171445, MedGen C1836050, MONDO:0012289, OMIM 609524.

Submission:

Labcorp Genetics (formerly Invitae), Labcorp
Classification: Uncertain significance for Distal myopathy with posterior leg and anterior hand involvement; Myofibrillar myopathy 5; Hypertrophic cardiomyopathy 26. Last evaluated: 2024-06-28. Review status: criteria provided, single submitter. Criteria: Invitae Variant Classification Sherloc (09022015). Collection method: clinical testing. Allele origin: germline.
Comment: This sequence change replaces glutamic acid, which is acidic and polar, with aspartic acid, which is acidic and polar, at codon 2452 of the FLNC protein (p.Glu2452Asp). This variant is not present in population databases (gnomAD no frequency). This variant has not been reported in the literature in individuals affected with FLNC-related conditions. Advanced modeling of protein sequence and biophysical properties (such as structural, functional, and spatial information, amino acid conservation, physicochemical variation, residue mobility, and thermodynamic stability) performed at Invitae indicates that this missense variant is not expected to disrupt FLNC protein function with a negative predictive value of 95%. In summary, the available evidence is currently insufficient to determine the role of this variant in disease. Therefore, it has been classified as a Variant of Uncertain Significance.